The following is an entry in ClinVar:

ClinVar aggregate classification (germline): Pathogenic (1 of 4 stars; one submission).

Submission:

Labcorp Genetics (formerly Invitae), Labcorp
Classification: Pathogenic. Last evaluated: 2022-07-06. Review status: criteria provided, single submitter. Criteria: Invitae Variant Classification Sherloc (09022015). Collection method: clinical testing. Allele origin: germline.
Comment: This sequence change creates a premature translational stop signal (p.Arg154Aspfs*3) in the MICU1 gene. It is expected to result in an absent or disrupted protein product. Loss-of-function variants in MICU1 are known to be pathogenic (PMID: 24336167). This variant is not present in population databases (gnomAD no frequency). This variant has not been reported in the literature in individuals affected with MICU1-related conditions. ClinVar contains an entry for this variant (Variation ID: 1454356). For these reasons, this variant has been classified as Pathogenic.

Literature cited by the submitters: PubMed 24336167.

NM_001195518.2(MICU1):c.459del (p.Arg154fs)

Gene: MICU1 (mitochondrial calcium uptake 1; minus strand). Cytogenetic location: 10q22.1.
Variant type: Deletion.
Coding change: c.459del on transcript NM_001195518.2 (MANE Select); coding-DNA position 459, one base deleted (G; older notation c.459delG).
Protein change: p.Arg154fs; shifts the reading frame from arginine 154.
Molecular consequence: frameshift variant.
Genome position (GRCh38, 1-based): chr10:72,551,213, C deleted on the plus strand (G on the coding strand, the reverse complement: MICU1 is on the minus strand). VCF-style (leftmost placement, unchanged base first): chr10-72551212-GC-G. GRCh37 (hg19) VCF-style: chr10-74310970-GC-G.
Other names: c.459del, p.Arg154fs (NM_001363513.2, NM_006077.4); short protein forms R154fs.
Identifiers: ClinVar variation 1454356 (VCV001454356.6), dbSNP rs2132443966, ClinGen allele CA2573145333.